The following is an entry in ClinVar:

NM_053025.4(MYLK):c.2608C>T (p.Arg870Ter)

Gene: MYLK (myosin light chain kinase; minus strand). Cytogenetic location: 3q21.1.
Variant type: single nucleotide variant.
Coding change: c.2608C>T on transcript NM_053025.4 (MANE Select); coding-DNA position 2608, C replaced by T.
Protein change: p.Arg870Ter; replaces arginine 870 with a stop codon.
Molecular consequence: nonsense.
Genome position (GRCh38, 1-based): chr3:123,700,860, G>A on the plus strand (C>T on the coding strand, the complement: MYLK is on the minus strand). VCF-style: chr3-123700860-G-A. GRCh37 (hg19) VCF-style: chr3-123419707-G-A.
Other names: c.2080C>T, p.Arg694Ter (NM_001321309.2); c.2401C>T, p.Arg801Ter (NM_053026.4, NM_053028.4); c.2608C>T, p.Arg870Ter (NM_053027.4); short protein forms R694*, R801*, R870*.
Identifiers: ClinVar variation 1335540 (VCV001335540.39), dbSNP rs865903260, ClinGen allele CA354232105.

ClinVar aggregate classification (germline): Conflicting classifications of pathogenicity. Review status: criteria provided, conflicting classifications (1 of 4 stars). 2 submissions from 2 submitters: Likely pathogenic (1); Uncertain significance (1). Last evaluated 2022-12-16.

Conditions:
Aortic aneurysm, familial thoracic 7 (AAT7). Also called: AORTIC DISSECTION, FAMILIAL, WITH OR WITHOUT AORTIC ANEURYSM. Identifiers: MedGen C3151077, MONDO:0013418, OMIM 613780.

gnomAD v4.1: 7 of 1,613,402 alleles (0.00043%); highest among the groups gnomAD compares: East Asian, 0.0022%; no homozygotes.

Submissions (2):

Labcorp Genetics (formerly Invitae), Labcorp
Classification: Uncertain significance for Aortic aneurysm, familial thoracic 7. Last evaluated: 2022-12-16. Review status: criteria provided, single submitter. Criteria: Invitae Variant Classification Sherloc (09022015). Collection method: clinical testing. Allele origin: germline.
Comment: This sequence change creates a premature translational stop signal (p.Arg870*) in the MYLK gene. This variant occurs in the long isoform of MYLK (PMID: 21055718). The current clinical and genetic evidence is not sufficient to establish whether loss-of-function variants in the long isoform of MYLK cause disease. This variant is not present in population databases (gnomAD no frequency). This premature translational stop signal has been observed in individual(s) with clinical features of MYLK-related conditions (Invitae). ClinVar contains an entry for this variant (Variation ID: 1335540). In summary, the available evidence is currently insufficient to determine the role of this variant in disease. Therefore, it has been classified as a Variant of Uncertain Significance.

CeGaT Center for Human Genetics Tuebingen
Classification: Likely pathogenic. Last evaluated: 2021-11-01. Review status: criteria provided, single submitter. Criteria: CeGaT Center For Human Genetics Tuebingen Variant Classification Criteria Version 2. Collection method: clinical testing. Allele origin: germline. Affected: yes. Observed: 1 variant allele.

Literature cited by the submitters: PubMed 21055718 (cited by Labcorp Genetics (formerly Invitae), Labcorp).